The following is an entry in ClinVar:

ClinVar aggregate classification (germline): Benign. Review status: criteria provided, multiple submitters, no conflicts (2 of 4 stars). 2 submissions from 2 submitters: Benign (2). Last evaluated 2026-02-02.

Conditions:
ARHGEF10-related disorder. Also called: ARHGEF10-related condition.

Allele frequency attached by ClinVar (database versions not stated): ESP Exome Variant Server 0.00015; gnomAD 0.00198 and 0.00269; gnomAD exomes 0.00221 and 0.00553; TOPMed 0.00273; ExAC 0.00561; 1000 Genomes Project 30x 0.00999; 1000 Genomes Project 0.01138.

Submissions (2):

Labcorp Genetics (formerly Invitae), Labcorp
Classification: Benign. Last evaluated: 2026-02-02. Review status: criteria provided, single submitter. Criteria: Invitae Variant Classification Sherloc (09022015). Collection method: clinical testing. Allele origin: germline.

PreventionGenetics, part of Exact Sciences
Classification: Benign for ARHGEF10-related condition. Last evaluated: 2026-01-21. Review status: criteria provided, single submitter. Criteria: ACMG Guidelines, 2015. Collection method: clinical testing. Allele origin: germline.
Comment: This variant is classified as benign based on ACMG/AMP sequence variant interpretation guidelines (Richards et al. 2015 PMID: 25741868, with internal and published modifications).

NM_014629.4(ARHGEF10):c.1431C>T (p.Phe477=)

Gene: ARHGEF10 (Rho guanine nucleotide exchange factor 10; plus strand). Cytogenetic location: 8p23.3.
Variant type: single nucleotide variant.
Coding change: c.1431C>T on transcript NM_014629.4 (MANE Select); coding-DNA position 1431, C replaced by T.
Protein change: p.Phe477=; no amino-acid change (phenylalanine 477 retained).
Molecular consequence: synonymous variant.
Genome position (GRCh38, 1-based): chr8:1,894,563, C>T. VCF-style: chr8-1894563-C-T. GRCh37 (hg19) VCF-style: chr8-1842729-C-T.
Other names: c.1317C>T, p.Phe439= (NM_001308152.2); c.1434C>T, p.Phe478= (NM_001308153.3).
Identifiers: ClinVar variation 713103 (VCV000713103.10), dbSNP rs3758004, ClinGen allele CA4600358.